The following is an entry in ClinVar:

ClinVar aggregate classification (germline): Benign (1 of 4 stars; one submission).

gnomAD v4.1: 4,700 of 1,611,172 alleles (0.29%); highest among the groups gnomAD compares: Non-Finnish European, 0.34%; 23 homozygotes.

Submissions (21):

CeGaT Center for Human Genetics Tuebingen
Classification: Benign. Last evaluated: 2026-07-01. Review status: criteria provided, single submitter. Criteria: CeGaT Center For Human Genetics Tuebingen Variant Classification Criteria Version 2. Collection method: clinical testing. Allele origin: germline. Affected: yes. Observed: 18 variant alleles.
Comment: ARID2: BS1, BS2

Dr. Peter K. Rogan Lab, Western University
No classification provided (evidence only). Condition: Lung cancer. Review status: no classification provided. Collection method: in vitro. Allele origin: not applicable. Functional consequence: retained intron. Not counted in ClinVar's aggregate classification.

Dr. Peter K. Rogan Lab, Western University
No classification provided (evidence only). Condition: Lung cancer. Review status: no classification provided. Collection method: in vitro. Allele origin: not applicable. Functional consequence: retained intron. Not counted in ClinVar's aggregate classification.

Dr. Peter K. Rogan Lab, Western University
No classification provided (evidence only). Condition: Familial cancer of breast. Review status: no classification provided. Collection method: in vitro. Allele origin: not applicable. Functional consequence: retained intron. Not counted in ClinVar's aggregate classification.

Dr. Peter K. Rogan Lab, Western University
No classification provided (evidence only). Condition: Familial cancer of breast. Review status: no classification provided. Collection method: in vitro. Allele origin: not applicable. Functional consequence: retained intron. Not counted in ClinVar's aggregate classification.

Dr. Peter K. Rogan Lab, Western University
No classification provided (evidence only). Condition: Familial cancer of breast. Review status: no classification provided. Collection method: in vitro. Allele origin: not applicable. Functional consequence: retained intron. Not counted in ClinVar's aggregate classification.

Dr. Peter K. Rogan Lab, Western University
No classification provided (evidence only). Condition: Familial cancer of breast. Review status: no classification provided. Collection method: in vitro. Allele origin: not applicable. Functional consequence: retained intron. Not counted in ClinVar's aggregate classification.

Dr. Peter K. Rogan Lab, Western University
No classification provided (evidence only). Condition: Familial cancer of breast. Review status: no classification provided. Collection method: in vitro. Allele origin: not applicable. Functional consequence: retained intron. Not counted in ClinVar's aggregate classification.

Dr. Peter K. Rogan Lab, Western University
No classification provided (evidence only). Condition: Familial cancer of breast. Review status: no classification provided. Collection method: in vitro. Allele origin: not applicable. Functional consequence: retained intron. Not counted in ClinVar's aggregate classification.

Dr. Peter K. Rogan Lab, Western University
No classification provided (evidence only). Condition: Cervical cancer. Review status: no classification provided. Collection method: in vitro. Allele origin: not applicable. Functional consequence: retained intron. Not counted in ClinVar's aggregate classification.

Dr. Peter K. Rogan Lab, Western University
No classification provided (evidence only). Condition: Cervical cancer. Review status: no classification provided. Collection method: in vitro. Allele origin: not applicable. Functional consequence: retained intron. Not counted in ClinVar's aggregate classification.

Dr. Peter K. Rogan Lab, Western University
No classification provided (evidence only). Condition: Ovarian serous cystadenocarcinoma. Review status: no classification provided. Collection method: in vitro. Allele origin: not applicable. Functional consequence: retained intron. Not counted in ClinVar's aggregate classification.

Dr. Peter K. Rogan Lab, Western University
No classification provided (evidence only). Condition: Ovarian serous cystadenocarcinoma. Review status: no classification provided. Collection method: in vitro. Allele origin: not applicable. Functional consequence: retained intron. Not counted in ClinVar's aggregate classification.

Dr. Peter K. Rogan Lab, Western University
No classification provided (evidence only). Condition: Ovarian serous cystadenocarcinoma. Review status: no classification provided. Collection method: in vitro. Allele origin: not applicable. Functional consequence: retained intron. Not counted in ClinVar's aggregate classification.

Dr. Peter K. Rogan Lab, Western University
No classification provided (evidence only). Condition: Gastric cancer. Review status: no classification provided. Collection method: in vitro. Allele origin: not applicable. Functional consequence: retained intron. Not counted in ClinVar's aggregate classification.

Dr. Peter K. Rogan Lab, Western University
No classification provided (evidence only). Condition: Gastric cancer. Review status: no classification provided. Collection method: in vitro. Allele origin: not applicable. Functional consequence: retained intron. Not counted in ClinVar's aggregate classification.

Dr. Peter K. Rogan Lab, Western University
No classification provided (evidence only). Condition: Gastric cancer. Review status: no classification provided. Collection method: in vitro. Allele origin: not applicable. Functional consequence: retained intron. Not counted in ClinVar's aggregate classification.

Dr. Peter K. Rogan Lab, Western University
No classification provided (evidence only). Condition: Gastric cancer. Review status: no classification provided. Collection method: in vitro. Allele origin: not applicable. Functional consequence: retained intron. Not counted in ClinVar's aggregate classification.

Dr. Peter K. Rogan Lab, Western University
No classification provided (evidence only). Condition: Malignant tumor of esophagus. Review status: no classification provided. Collection method: in vitro. Allele origin: not applicable. Functional consequence: retained intron. Not counted in ClinVar's aggregate classification.

Dr. Peter K. Rogan Lab, Western University
No classification provided (evidence only). Condition: Malignant tumor of esophagus. Review status: no classification provided. Collection method: in vitro. Allele origin: not applicable. Functional consequence: retained intron. Not counted in ClinVar's aggregate classification.

Dr. Peter K. Rogan Lab, Western University
No classification provided (evidence only). Condition: Malignant tumor of esophagus. Review status: no classification provided. Collection method: in vitro. Allele origin: not applicable. Functional consequence: retained intron. Not counted in ClinVar's aggregate classification.

NM_152641.4(ARID2):c.5364-11T>A

Gene: ARID2 (AT-rich interaction domain 2; plus strand). Cytogenetic location: 12q12.
Variant type: single nucleotide variant.
Coding change: c.5364-11T>A on transcript NM_152641.4 (MANE Select); 11 bases into the intron before coding-DNA position 5364, T replaced by A.
Molecular consequence: intron variant.
Genome position (GRCh38, 1-based): chr12:45,904,923, T>A. VCF-style: chr12-45904923-T-A. GRCh37 (hg19) VCF-style: chr12-46298706-T-A.
Other names: NC_000012.11:g.46298706T>A.
Identifiers: ClinVar variation 3387872 (VCV003387872.15).